The following is an entry in ClinVar:

NM_002454.3(MTRR):c.290del (p.Gly97fs)

Gene: MTRR (5-methyltetrahydrofolate-homocysteine methyltransferase reductase; plus strand). Cytogenetic location: 5p15.31.
Variant type: Deletion.
Coding change: c.290del on transcript NM_002454.3 (MANE Select); coding-DNA position 290, one base deleted (G; older notation c.290delG).
Protein change: p.Gly97fs; shifts the reading frame from glycine 97.
Molecular consequence: frameshift variant. On other transcripts: non-coding transcript variant (14).
Genome position (GRCh38, 1-based): chr5:7,875,264, G deleted; the last of 2 consecutive G bases (chr5:7,875,263-7,875,264); deleting either gives the same sequence. VCF-style (leftmost placement, unchanged base first): chr5-7875262-CG-C. GRCh37 (hg19) VCF-style: chr5-7875375-CG-C.
Other names: c.290del, p.Gly97fs (NM_001364440.2, NM_001364441.2, NM_001364442.2 and 1 more transcripts); short protein forms G97fs.
Identifiers: ClinVar variation 2078287 (VCV002078287.4), dbSNP rs2478740609, ClinGen allele CA2580073152.

ClinVar aggregate classification (germline): Pathogenic (1 of 4 stars; one submission).

Conditions:
Methylcobalamin deficiency type cblE (HMAE). Also called: VITAMIN B12-RESPONSIVE HOMOCYSTINURIA, cblE TYPE; HOMOCYSTINURIA-MEGALOBLASTIC ANEMIA, cblE TYPE; HOMOCYSTINURIA-MEGALOBLASTIC ANEMIA, cblE COMPLEMENTATION TYPE. Identifiers: Orphanet 2169, Orphanet 622, MedGen C1856057, MONDO:0009354, OMIM 236270.

Submission:

Labcorp Genetics (formerly Invitae), Labcorp
Classification: Pathogenic for Methylcobalamin deficiency type cblE. Last evaluated: 2022-01-11. Review status: criteria provided, single submitter. Criteria: Invitae Variant Classification Sherloc (09022015). Collection method: clinical testing. Allele origin: germline.
Comment: For these reasons, this variant has been classified as Pathogenic. This variant has not been reported in the literature in individuals affected with MTRR-related conditions. This variant is not present in population databases (gnomAD no frequency). This sequence change creates a premature translational stop signal (p.Gly97Valfs*14) in the MTRR gene. It is expected to result in an absent or disrupted protein product. Loss-of-function variants in MTRR are known to be pathogenic (PMID: 15714522).

Literature cited by the submitters: PubMed 15714522.